The following is an entry in ClinVar:

ClinVar aggregate classification (germline): Uncertain significance (1 of 4 stars; one submission).

Submission:

Labcorp Genetics (formerly Invitae), Labcorp
Classification: Uncertain significance. Last evaluated: 2024-07-04. Review status: criteria provided, single submitter. Criteria: Invitae Variant Classification Sherloc (09022015). Collection method: clinical testing. Allele origin: germline.
Comment: This sequence change replaces arginine, which is basic and polar, with serine, which is neutral and polar, at codon 591 of the ASXL2 protein (p.Arg591Ser). This variant is not present in population databases (gnomAD no frequency). This variant has not been reported in the literature in individuals affected with ASXL2-related conditions. Advanced modeling of protein sequence and biophysical properties (such as structural, functional, and spatial information, amino acid conservation, physicochemical variation, residue mobility, and thermodynamic stability) performed at Invitae indicates that this missense variant is not expected to disrupt ASXL2 protein function with a negative predictive value of 80%. In summary, the available evidence is currently insufficient to determine the role of this variant in disease. Therefore, it has been classified as a Variant of Uncertain Significance.

NM_018263.6(ASXL2):c.1771C>A (p.Arg591Ser)

Gene: ASXL2 (ASXL transcriptional regulator 2; minus strand). Cytogenetic location: 2p23.3.
Variant type: single nucleotide variant.
Coding change: c.1771C>A on transcript NM_018263.6 (MANE Select); coding-DNA position 1771, C replaced by A.
Protein change: p.Arg591Ser; replaces arginine 591 with serine.
Molecular consequence: missense variant.
Genome position (GRCh38, 1-based): chr2:25,749,785, G>T on the plus strand (C>A on the coding strand, the complement: ASXL2 is on the minus strand). VCF-style: chr2-25749785-G-T. GRCh37 (hg19) VCF-style: chr2-25972654-G-T.
Other names: c.1597C>A, p.Arg533Ser (NM_001369346.1); c.991C>A, p.Arg331Ser (NM_001369347.1); short protein forms R533S, R331S, R591S.
Identifiers: ClinVar variation 3668430 (VCV003668430.2).
Genomic context (GRCh38, chr2:25,749,785, plus strand): 5'-TTCTGTCCCCTCTATTGAGAAAGGGCTGTGGTGAGACCTGAAATGGCTGCTGGTGCTGGC[G>T]ATTCTCAGTGACACGTGGCCTCTTCTCCCAGCTCACAGGGGCCTCTTCTTGGGTGAGGGA-3'
Protein context (NP_060733.4, residues 581-601): WEKRPRVTEN[Arg591Ser]QHQQPFQVSP